The following is an entry in ClinVar:

NM_000038.6(APC):c.8341del (p.Arg2780_Val2781insTer)

Gene: APC (APC regulator of Wnt signaling pathway; plus strand). Cytogenetic location: 5q22.2.
Variant type: Deletion.
Coding change: c.8341del on transcript NM_000038.6 (MANE Select); coding-DNA position 8341, one base deleted (G; older notation c.8341delG).
Protein change: p.Arg2780_Val2781insTer.
Molecular consequence: nonsense.
Genome position (GRCh38, 1-based): chr5:112,843,935, G deleted. VCF-style (leftmost placement, unchanged base first): chr5-112843934-AG-A. GRCh37 (hg19) VCF-style: chr5-112179631-AG-A.
Other names: c.8341del, p.Arg2780_Val2781insTer (NM_001127510.3, NM_001354895.2); c.8287del, p.Arg2762_Val2763insTer (NM_001127511.3); c.8395del, p.Arg2798_Val2799insTer (NM_001354896.2); c.8371del, p.Arg2790_Val2791insTer (NM_001354897.2); c.8266del, p.Arg2755_Val2756insTer (NM_001354898.2); c.8257del, p.Arg2752_Val2753insTer (NM_001354899.2); c.8218del, p.Arg2739_Val2740insTer (NM_001354900.2); c.8164del, p.Arg2721_Val2722insTer (NM_001354901.2); and 5 more.
Identifiers: ClinVar variation 470139 (VCV000470139.8), dbSNP rs1554089068, ClinGen allele CA658657467.

ClinVar aggregate classification (germline): Uncertain significance (1 of 4 stars; one submission).

Conditions:
Familial adenomatous polyposis 1 (FAP1). Also called: POLYPOSIS, ADENOMATOUS INTESTINAL; FAMILIAL ADENOMATOUS POLYPOSIS 1, ATTENUATED. Identifiers: MedGen C2713442, MONDO:0021056, OMIM 175100. Disease mechanism: loss of function.

Submission:

Labcorp Genetics (formerly Invitae), Labcorp
Classification: Uncertain significance for Familial adenomatous polyposis 1. Last evaluated: 2017-05-02. Review status: criteria provided, single submitter. Criteria: Invitae Variant Classification Sherloc (09022015). Collection method: clinical testing. Allele origin: germline.
Comment: In summary, this is a novel truncation with uncertain impact on protein function. It has been classified as a Variant of Uncertain Significance. This variant is not present in population databases (ExAC no frequency) and has not been reported in the literature in individuals with an APC-related disease. This sequence change results in a premature translational stop signal in the last exon of the APC mRNA at codon 2781 (p.Val2781*). While this is not anticipated to result in nonsense mediated decay, it is expected to delete the last 63 amino acids of the APC protein.